The following is an entry in ClinVar:

ClinVar aggregate classification (germline): Uncertain significance (0 of 4 stars; one submission).

Conditions:
TRPC5-related disorder. Also called: TRPC5-related condition.

gnomAD v4.1: 29 of 1,207,757 alleles (0.0024%); highest among the groups gnomAD compares: Middle Eastern, 0.023%; no homozygotes.

Submission:

PreventionGenetics, part of Exact Sciences
Classification: Uncertain significance for TRPC5-related condition. Last evaluated: 2024-08-04. Review status: no assertion criteria provided. Collection method: clinical testing. Allele origin: germline.
Comment: The TRPC5 c.2335C>G variant is predicted to result in the amino acid substitution p.Gln779Glu. To our knowledge, this variant has not been reported in the literature. This variant is reported in 0.0076% of alleles in individuals of European (Non-Finnish) descent in gnomAD, including 3 hemizygotes. At this time, the clinical significance of this variant is uncertain due to the absence of conclusive functional and genetic evidence.

NM_012471.3(TRPC5):c.2335C>G (p.Gln779Glu)

Gene: TRPC5 (transient receptor potential cation channel subfamily C member 5; minus strand). Cytogenetic location: Xq23.
Variant type: single nucleotide variant.
Coding change: c.2335C>G on transcript NM_012471.3 (MANE Select); coding-DNA position 2335, C replaced by G.
Protein change: p.Gln779Glu; replaces glutamine 779 with glutamic acid.
Molecular consequence: missense variant.
Genome position (GRCh38, 1-based): chrX:111,776,900, G>C on the plus strand (C>G on the coding strand, the complement: TRPC5 is on the minus strand). VCF-style: chrX-111776900-G-C. GRCh37 (hg19) VCF-style: chrX-111020128-G-C.
Other names: short protein forms Q779E.
Identifiers: ClinVar variation 3358160 (VCV003358160.1).